The following is an entry in ClinVar:

NM_000748.3(CHRNB2):c.121C>T (p.Arg41Cys)

Gene: CHRNB2 (cholinergic receptor nicotinic beta 2 subunit; plus strand). Cytogenetic location: 1q21.3.
Variant type: single nucleotide variant.
Coding change: c.121C>T on transcript NM_000748.3 (MANE Select); coding-DNA position 121, C replaced by T.
Protein change: p.Arg41Cys; replaces arginine 41 with cysteine.
Molecular consequence: missense variant.
Genome position (GRCh38, 1-based): chr1:154,569,518, C>T. VCF-style: chr1-154569518-C-T. GRCh37 (hg19) VCF-style: chr1-154541994-C-T.
Other names: short protein forms R41C.
Identifiers: ClinVar variation 1311720 (VCV001311720.6), dbSNP rs1174834370, ClinGen allele CA342629284.

ClinVar aggregate classification (germline): Uncertain significance. Review status: criteria provided, multiple submitters, no conflicts (2 of 4 stars). 2 submissions from 2 submitters: Uncertain significance (2). Last evaluated 2025-06-15.

Conditions:
Familial sleep-related hypermotor epilepsy. Also called: Autosomal Dominant Sleep-Related Hypermotor (Hyperkinetic) Epilepsy. Identifiers: Orphanet 98784, MedGen C3696898, MONDO:0000030.

Allele frequency attached by ClinVar (database versions not stated): gnomAD exomes 0.00001 and below 0.00001.

Submissions (2):

Labcorp Genetics (formerly Invitae), Labcorp
Classification: Uncertain significance. Last evaluated: 2025-06-15. Review status: criteria provided, single submitter. Criteria: Invitae Variant Classification Sherloc (09022015). Collection method: clinical testing. Allele origin: germline.
Comment: This sequence change replaces arginine, which is basic and polar, with cysteine, which is neutral and slightly polar, at codon 41 of the CHRNB2 protein (p.Arg41Cys). This variant is present in population databases (no rsID available, gnomAD 0.0009%). This variant has not been reported in the literature in individuals affected with CHRNB2-related conditions. ClinVar contains an entry for this variant (Variation ID: 1311720). Invitae Evidence Modeling of protein sequence and biophysical properties (such as structural, functional, and spatial information, amino acid conservation, physicochemical variation, residue mobility, and thermodynamic stability) indicates that this missense variant is expected to disrupt CHRNB2 protein function with a positive predictive value of 80%. In summary, the available evidence is currently insufficient to determine the role of this variant in disease. Therefore, it has been classified as a Variant of Uncertain Significance.

GeneDx
Classification: Uncertain significance. Last evaluated: 2020-01-22. Review status: criteria provided, single submitter. Criteria: GeneDx Variant Classification Process June 2021. Collection method: clinical testing. Allele origin: germline. Affected: yes.
Comment: Not observed at a significant frequency in large population cohorts (Lek et al., 2016); In silico analysis, which includes protein predictors and evolutionary conservation, supports a deleterious effect; Has not been previously published as pathogenic or benign to our knowledge